The following is an entry in ClinVar:

NM_003476.5(CSRP3):c.136A>T (p.Ser46Cys)

Gene: CSRP3 (cysteine and glycine rich protein 3; minus strand). Cytogenetic location: 11p15.1.
Variant type: single nucleotide variant.
Coding change: c.136A>T on transcript NM_003476.5 (MANE Select); coding-DNA position 136, A replaced by T.
Protein change: p.Ser46Cys; replaces serine 46 with cysteine.
Molecular consequence: missense variant. On other transcripts: intron variant (1).
Genome position (GRCh38, 1-based): chr11:19,188,281, T>A on the plus strand (A>T on the coding strand, the complement: CSRP3 is on the minus strand). VCF-style: chr11-19188281-T-A. GRCh37 (hg19) VCF-style: chr11-19209828-T-A.
Other names: c.136A>T, p.Ser46Cys (NM_001127656.1); c.113-1933A>T (NM_001369404.1); short protein forms S46C.
Identifiers: ClinVar variation 1771006 (VCV001771006.2), dbSNP rs137852765, ClinGen allele CA379888401.

ClinVar aggregate classification (germline): Uncertain significance (1 of 4 stars; one submission).

Conditions:
Cardiovascular phenotype. Identifiers: MedGen CN230736.

Submission:

Ambry Genetics
Classification: Uncertain significance for Cardiovascular phenotype. Last evaluated: 2022-08-19. Review status: criteria provided, single submitter. Criteria: Ambry Variant Classification Scheme 2023. Collection method: clinical testing. Allele origin: germline.
Comment: The p.S46C variant (also known as c.136A>T), located in coding exon 2 of the CSRP3 gene, results from an A to T substitution at nucleotide position 136. The serine at codon 46 is replaced by cysteine, an amino acid with dissimilar properties. This amino acid position is conserved. In addition, this alteration is predicted to be deleterious by in silico analysis. Since supporting evidence is limited at this time, the clinical significance of this alteration remains unclear.